The following is an entry in ClinVar:

NM_002133.3(HMOX1):c.431dup (p.Gln145fs)

Gene: HMOX1 (heme oxygenase 1; plus strand). Cytogenetic location: 22q12.3.
Variant type: Duplication.
Coding change: c.431dup on transcript NM_002133.3 (MANE Select); coding-DNA position 431, one base duplicated (G; older notation c.431dupG).
Protein change: p.Gln145fs; shifts the reading frame from glutamine 145.
Molecular consequence: frameshift variant.
Genome position (GRCh38, 1-based): chr22:35,386,971, G duplicated; the last of 5 consecutive G bases (chr22:35,386,967-35,386,971); duplicating any one gives the same sequence. VCF-style (leftmost placement, unchanged base first): chr22-35386966-T-TG. GRCh37 (hg19) VCF-style: chr22-35782959-T-TG.
Other names: short protein forms Q145fs.
Identifiers: ClinVar variation 3639915 (VCV003639915.2).
Genomic context (GRCh38, chr22:35,386,966, plus strand): 5'-GCGCACAGAGCCCGAGCTGCTGGTGGCCCACGCCTACACCCGCTACCTGGGTGACCTGTC[T>TG]GGGGGCCAGGTGCTCAAAAAGATTGCCCAGAAAGCCCTGGACCTGCCCAGCTCTGGCGAG-3'

ClinVar aggregate classification (germline): Pathogenic (1 of 4 stars; one submission).

Submission:

Labcorp Genetics (formerly Invitae), Labcorp
Classification: Pathogenic. Last evaluated: 2024-02-16. Review status: criteria provided, single submitter. Criteria: Invitae Variant Classification Sherloc (09022015). Collection method: clinical testing. Allele origin: germline.
Comment: This sequence change creates a premature translational stop signal (p.Gln145Profs*71) in the HMOX1 gene. It is expected to result in an absent or disrupted protein product. Loss-of-function variants in HMOX1 are known to be pathogenic (PMID: 9884342, 21088618). This variant is not present in population databases (gnomAD no frequency). This variant has not been reported in the literature in individuals affected with HMOX1-related conditions. For these reasons, this variant has been classified as Pathogenic.

Literature cited by the submitters: PubMed 9884342; PubMed 21088618.